The following is an entry in ClinVar:

ClinVar aggregate classification (germline): Pathogenic. Review status: reviewed by expert panel (3 of 4 stars). 5 submissions from 5 submitters: Pathogenic (1). 4 of the submissions do not count toward it. Last evaluated 2017-12-15.

Conditions:
Hereditary cancer-predisposing syndrome. Also called: Neoplastic Syndromes, Hereditary; Tumor predisposition; Hereditary neoplastic syndrome; Hereditary Cancer Syndrome. Identifiers: Orphanet 140162, MedGen C0027672, MeSH D009386, MONDO:0015356.
Hereditary breast ovarian cancer syndrome. Also called: Hereditary breast and ovarian cancer syndrome; Hereditary breast and ovarian cancer; Hereditary breast and ovarian cancer syndrome (HBOC); Breast and ovarian cancer; Hereditary breast and/or ovarian cancer syndrome; BRCA1- and BRCA2-Associated Hereditary Breast and Ovarian Cancer. Identifiers: Orphanet 145, MedGen C0677776, MeSH D061325, MONDO:0003582. Disease mechanism: loss of function.
Familial cancer of breast. Also called: BREAST CANCER, FAMILIAL; Hereditary breast cancer; hereditary breast carcinoma. Identifiers: Orphanet 227535, MedGen C0346153, MONDO:0016419, OMIM 114480. Disease mechanism: loss of function.
Breast-ovarian cancer, familial, susceptibility to, 2 (BROVCA2). Also called: BRCA2 Hereditary Breast and Ovarian Cancer. Identifiers: Orphanet 145, MedGen C2675520, MONDO:0012933, OMIM 612555. Disease mechanism: loss of function.

Submissions (5):

Evidence-based Network for the Interpretation of Germline Mutant Alleles (ENIGMA)
Classification: Pathogenic for Breast-ovarian cancer, familial, susceptibility to, 2. Last evaluated: 2017-12-15. Review status: reviewed by expert panel. Criteria: ENIGMA BRCA1/2 Classification Criteria (2017-06-29). Collection method: curation. Allele origin: germline. Study: ENIGMA.
Comment: Variant allele predicted to encode a truncated non-functional protein.

Labcorp Genetics (formerly Invitae), Labcorp
Classification: Pathogenic for Hereditary breast ovarian cancer syndrome. Last evaluated: 2024-12-13. Review status: criteria provided, single submitter. Criteria: Invitae Variant Classification Sherloc (09022015). Collection method: clinical testing. Allele origin: germline. Not counted in ClinVar's aggregate classification.
Comment: This sequence change creates a premature translational stop signal (p.Arg2964Lysfs*54) in the BRCA2 gene. It is expected to result in an absent or disrupted protein product. Loss-of-function variants in BRCA2 are known to be pathogenic (PMID: 20104584). This variant is not present in population databases (gnomAD no frequency). This premature translational stop signal has been observed in individual(s) with early-onset breast cancer (PMID: 18006916). This variant is also known as 9118insA. ClinVar contains an entry for this variant (Variation ID: 52695). For these reasons, this variant has been classified as Pathogenic.

Ambry Genetics
Classification: Pathogenic for Hereditary cancer-predisposing syndrome. Last evaluated: 2022-03-28. Review status: criteria provided, single submitter. Criteria: Ambry Variant Classification Scheme 2023. Collection method: clinical testing. Allele origin: germline. Not counted in ClinVar's aggregate classification.
Comment: The c.8890dupA pathogenic mutation, located in coding exon 21 of the BRCA2 gene, results from a duplication of A at nucleotide position 8890, causing a translational frameshift with a predicted alternate stop codon (p.R2964Kfs*54). This alteration was identified in an individual diagnosed with breast cancer (Ang P et al. Cancer Epidemiol Biomarkers Prev, 2007 Nov;16:2276-84). This variant is considered to be rare based on population cohorts in the Genome Aggregation Database (gnomAD). Of note, this alteration is also known as 9118insA in published literature. In addition to the clinical data presented in the literature, this alteration is expected to result in loss of function by premature protein truncation or nonsense-mediated mRNA decay. As such, this alteration is interpreted as a disease-causing mutation.

ClinVar Staff, National Center for Biotechnology Information (NCBI)
No classification provided. Condition: Familial cancer of breast. Review status: no classification provided. Collection method: literature only. Allele origin: germline. Affected: yes. Not counted in ClinVar's aggregate classification.

Research and Experiment Center, Meizhou People's Hospital
Classification: Pathogenic for Familial cancer of breast. Review status: no assertion criteria provided. Collection method: clinical testing. Allele origin: germline. Affected: yes. Not counted in ClinVar's aggregate classification.

Literature cited by the submitters: PubMed 20104584 (cited by Labcorp Genetics (formerly Invitae), Labcorp); PubMed 18006916 (cited by 4 submitters).

NM_000059.4(BRCA2):c.8890dup (p.Arg2964fs)

Gene: BRCA2 (BRCA2 DNA repair associated; plus strand). Cytogenetic location: 13q13.1.
Variant type: Duplication.
Coding change: c.8890dup on transcript NM_000059.4 (MANE Select); coding-DNA position 8890, one base duplicated (A; older notation c.8890dupA).
Protein change: p.Arg2964fs; shifts the reading frame from arginine 2964.
Molecular consequence: frameshift variant.
Genome position (GRCh38, 1-based): chr13:32,379,452, A duplicated; the last of 2 consecutive A bases (chr13:32,379,451-32,379,452); duplicating either gives the same sequence. VCF-style (leftmost placement, unchanged base first): chr13-32379450-C-CA. GRCh37 (hg19) VCF-style: chr13-32953587-C-CA.
Other names: c.8890dupA (NM_000059.3); c.8889dupA (NM_000059.3); short protein forms R2964fs.
Identifiers: ClinVar variation 52695 (VCV000052695.15), dbSNP rs397508017, ClinGen allele CA025861.